The following is an entry in ClinVar:

NM_001365951.3(KIF1B):c.5173G>A (p.Val1725Ile)

Gene: KIF1B (kinesin family member 1B; plus strand). Cytogenetic location: 1p36.22.
Variant type: single nucleotide variant.
Coding change: c.5173G>A on transcript NM_001365951.3 (MANE Select); coding-DNA position 5173, G replaced by A.
Protein change: p.Val1725Ile; replaces valine 1725 with isoleucine.
Molecular consequence: missense variant.
Genome position (GRCh38, 1-based): chr1:10,374,930, G>A. VCF-style: chr1-10374930-G-A. GRCh37 (hg19) VCF-style: chr1-10434988-G-A.
Other names: c.5173G>A, p.Val1725Ile (NM_001365952.1); c.5035G>A, p.Val1679Ile (NM_015074.3); short protein forms V1679I, V1725I.
Identifiers: ClinVar variation 1744917 (VCV001744917.5), dbSNP rs753477704, ClinGen allele CA582279.
Genomic context (GRCh38, chr1:10,374,930, plus strand): 5'-AAAGGATACCTTCATTTCAAGGAGCCTCTTTACAGTAACTGGGCTAAACATTTTGTTGTC[G>A]TCCGTCGGCCTTATGTCTTCATCTATAACAGTGACAAAGACCCTGTGGAGCGTGGAATCA-3'
Protein context (NP_001352880.1, residues 1715-1735): YSNWAKHFVV[Val1725Ile]RRPYVFIYNS

ClinVar aggregate classification (germline): Conflicting classifications of pathogenicity. Review status: criteria provided, conflicting classifications (1 of 4 stars). 3 submissions from 3 submitters: Likely pathogenic (1); Uncertain significance (2). Last evaluated 2024-06-18.

Conditions:
Neuroblastoma, susceptibility to, 1. Identifiers: MedGen C2749485, MONDO:0009741, OMIM 256700.
Charcot-Marie-Tooth disease type 2A1. Also called: CHARCOT-MARIE-TOOTH DISEASE, AXONAL, TYPE 2A1; CHARCOT-MARIE-TOOTH DISEASE, AXONAL, AUTOSOMAL DOMINANT, TYPE 2A1; CHARCOT-MARIE-TOOTH DISEASE, NEURONAL, TYPE 2A1; CHARCOT-MARIE-TOOTH NEUROPATHY, TYPE 2A1; HEREDITARY MOTOR AND SENSORY NEUROPATHY IIA1. Identifiers: Orphanet 99946, MedGen C1861678, MONDO:0007308, OMIM 118210.
Ovarian cancer. Also called: OVARIAN CANCER, SOMATIC. Identifiers: Orphanet 213500, MedGen C1140680, MONDO:0008170, OMIM 167000.

Allele frequency attached by ClinVar (database versions not stated): gnomAD 0.00001; gnomAD exomes 0.00001; TOPMed 0.00001; ExAC 0.00002.
gnomAD v4.1: 16 of 1,613,910 alleles (0.00099%); highest among the groups gnomAD compares: East Asian, 0.011%; no homozygotes.

Submissions (3):

Fulgent Genetics
Classification: Uncertain significance for Charcot-Marie-Tooth disease type 2A1; Neuroblastoma, susceptibility to, 1. Last evaluated: 2024-06-18. Review status: criteria provided, single submitter. Criteria: ACMG Guidelines, 2015. Collection method: clinical testing. Allele origin: germline.

Ambry Genetics
Classification: Uncertain significance. Last evaluated: 2023-11-22. Review status: criteria provided, single submitter. Criteria: Ambry Variant Classification Scheme 2023. Collection method: clinical testing. Allele origin: germline.
Comment: The p.V1679I variant (also known as c.5035G>A), located in coding exon 44 of the KIF1B gene, results from a G to A substitution at nucleotide position 5035. The valine at codon 1679 is replaced by isoleucine, an amino acid with highly similar properties. This amino acid position is highly conserved in available vertebrate species. In addition, the in silico prediction for this alteration is inconclusive. Since supporting evidence is limited at this time, the clinical significance of this alteration remains unclear.

Laboratory of Molecular Epidemiology of Birth Defects, West China Second University Hospital, Sichuan University
Classification: Likely pathogenic for Ovarian cancer. Last evaluated: 2022-01-01. Review status: criteria provided, single submitter. Criteria: ACMG Guidelines, 2015. Collection method: clinical testing. Allele origin: germline. Affected: yes.